The following is an entry in ClinVar:

NM_000317.3(PTS):c.322G>T (p.Glu108Ter)

Gene: PTS (6-pyruvoyltetrahydropterin synthase; plus strand). Cytogenetic location: 11q23.1.
Variant type: single nucleotide variant.
Coding change: c.322G>T on transcript NM_000317.3 (MANE Select); coding-DNA position 322, G replaced by T.
Protein change: p.Glu108Ter; replaces glutamic acid 108 with a stop codon.
Molecular consequence: nonsense.
Genome position (GRCh38, 1-based): chr11:112,233,439, G>T. VCF-style: chr11-112233439-G-T. GRCh37 (hg19) VCF-style: chr11-112104162-G-T.
Other names: short protein forms E108*.
Identifiers: ClinVar variation 2910294 (VCV002910294.3), dbSNP rs2496571358, ClinGen allele CA382627951.

ClinVar aggregate classification (germline): Pathogenic (1 of 4 stars; one submission).

Conditions:
6-Pyruvoyl-tetrahydrobiopterin synthase deficiency. Also called: Hyperphenylalanemia, BH4-deficient, A; Hyperphenylalaninemia due to 6-pyruvoyl-tetrahydropterin synthase deficiency; BH4-deficient hyperphenylalaninemia A; PTS DEFICIENCY; 6-Pyruvoyltetrahydropterin Synthase Deficiency; HYPERPHENYLALANINEMIA, TETRAHYDROBIOPTERIN-DEFICIENT, DUE TO PTS DEFICIENCY. Identifiers: Orphanet 13, Orphanet 238583, MedGen C0878676, MONDO:0009863, OMIM 261640.

Submission:

Labcorp Genetics (formerly Invitae), Labcorp
Classification: Pathogenic for 6-Pyruvoyl-tetrahydrobiopterin synthase deficiency. Last evaluated: 2024-01-22. Review status: criteria provided, single submitter. Criteria: Invitae Variant Classification Sherloc (09022015). Collection method: clinical testing. Allele origin: germline.
Comment: This sequence change creates a premature translational stop signal (p.Glu108*) in the PTS gene. While this is not anticipated to result in nonsense mediated decay, it is expected to disrupt the last 38 amino acid(s) of the PTS protein. This variant is not present in population databases (gnomAD no frequency). This premature translational stop signal has been observed in individual(s) with 6-pyruvoyltetrahydropterin synthase deficiency (PMID: 29499199, 30001213). Algorithms developed to predict the effect of sequence changes on RNA splicing suggest that this variant may disrupt the consensus splice site. This variant disrupts a region of the PTS protein in which other variant(s) (p.Asp136Val) have been determined to be pathogenic (PMID: 9222757, 11388593, 25418970). This suggests that this is a clinically significant region of the protein, and that variants that disrupt it are likely to be disease-causing. For these reasons, this variant has been classified as Pathogenic.

Literature cited by the submitters: PubMed 29499199; PubMed 30001213; PubMed 9222757; PubMed 11388593; PubMed 25418970.